The following is an entry in ClinVar:

ClinVar aggregate classification (germline): Likely benign (1 of 4 stars; one submission).

Allele frequency attached by ClinVar (database versions not stated): TOPMed below 0.00001.

Submission:

GeneDx
Classification: Likely benign. Last evaluated: 2017-03-30. Review status: criteria provided, single submitter. Criteria: GeneDx Variant Classification (06012015). Collection method: clinical testing. Allele origin: germline. Affected: yes.
Comment: This variant is considered likely benign or benign based on one or more of the following criteria: it is a conservative change, it occurs at a poorly conserved position in the protein, it is predicted to be benign by multiple in silico algorithms, and/or has population frequency not consistent with disease.

NM_001482.3(GATM):c.-50C>T

Genes: GATM (glycine amidinotransferase; minus strand), LOC130056991 (ATAC-STARR-seq lymphoblastoid silent region 6406; plus strand). Cytogenetic location: 15q21.1.
Variant type: single nucleotide variant.
Coding change: c.-50C>T on transcript NM_001482.3 (MANE Select); 50 bases upstream of the start codon, C replaced by T.
Molecular consequence: 5 prime UTR variant. On other transcripts: intron variant (1).
Genome position (GRCh38, 1-based): chr15:45,378,503, G>A on the plus strand (C>T on the coding strand, the complement: GATM is on the minus strand). VCF-style: chr15-45378503-G-A. GRCh37 (hg19) VCF-style: chr15-45670701-G-A.
Other names: c.-318-1684C>T (NM_001321015.2).
Identifiers: ClinVar variation 508539 (VCV000508539.1), dbSNP rs1414921353, ClinGen allele CA617698511.